The following is an entry in ClinVar:

NM_000092.5(COL4A4):c.3471G>T (p.Gly1157=)

Gene: COL4A4 (collagen type IV alpha 4 chain; minus strand). Cytogenetic location: 2q36.3.
Variant type: single nucleotide variant.
Coding change: c.3471G>T on transcript NM_000092.5 (MANE Select); coding-DNA position 3471, G replaced by T.
Protein change: p.Gly1157=; no amino-acid change (glycine 1157 retained).
Molecular consequence: synonymous variant.
Genome position (GRCh38, 1-based): chr2:227,042,182, C>A on the plus strand (G>T on the coding strand, the complement: COL4A4 is on the minus strand). VCF-style: chr2-227042182-C-A. GRCh37 (hg19) VCF-style: chr2-227906898-C-A.
Other names: c.3471G>T (NM_000092.4).
Identifiers: ClinVar variation 1440012 (VCV001440012.9), dbSNP rs759640112, ClinGen allele CA2144525.

ClinVar aggregate classification (germline): Likely benign. Review status: criteria provided, single submitter (1 of 4 stars). 2 submissions from 2 submitters: Likely benign (1). 1 of the submissions does not count toward it. Last evaluated 2025-06-12.

Conditions:
COL4A4-related disorder.

Allele frequency attached by ClinVar (database versions not stated): gnomAD exomes 0.00001 and 0.00003; ExAC 0.00003; gnomAD 0.00005 and 0.00007; TOPMed 0.00012.
gnomAD v4.1: 19 of 1,612,982 alleles (0.0012%); highest among the groups gnomAD compares: African/African-American, 0.017%; no homozygotes.

Submissions (2):

Labcorp Genetics (formerly Invitae), Labcorp
Classification: Likely benign. Last evaluated: 2025-06-12. Review status: criteria provided, single submitter. Criteria: Invitae Variant Classification Sherloc (09022015). Collection method: clinical testing. Allele origin: germline.

PreventionGenetics, part of Exact Sciences
Classification: Likely benign for COL4A4-related condition. Last evaluated: 2024-03-28. Review status: no assertion criteria provided. Collection method: clinical testing. Allele origin: germline. Not counted in ClinVar's aggregate classification.
Comment: This variant is classified as likely benign based on ACMG/AMP sequence variant interpretation guidelines (Richards et al. 2015 PMID: 25741868, with internal and published modifications).